The following is an entry in ClinVar:

ClinVar aggregate classification (germline): Uncertain significance (1 of 4 stars; one submission).

Conditions:
Microcephaly, normal intelligence and immunodeficiency (NBS). Also called: Immunodeficiency, microcephaly with normal intelligence; Ataxia telangiectasia variant V1; IMMUNODEFICIENCY, MICROCEPHALY, AND CHROMOSOMAL INSTABILITY; BERLIN BREAKAGE SYNDROME; SEEMANOVA SYNDROME II; Nijmegen breakage syndrome. Identifiers: Orphanet 647, MedGen C0398791, MONDO:0009623, OMIM 251260.

Submission:

Labcorp Genetics (formerly Invitae), Labcorp
Classification: Uncertain significance for Microcephaly, normal intelligence and immunodeficiency. Last evaluated: 2021-10-21. Review status: criteria provided, single submitter. Criteria: Invitae Variant Classification Sherloc (09022015). Collection method: clinical testing. Allele origin: germline.
Comment: This sequence change replaces serine with leucine at codon 418 of the NBN protein (p.Ser418Leu). The serine residue is moderately conserved and there is a large physicochemical difference between serine and leucine. This variant is not present in population databases (ExAC no frequency). This variant has not been reported in the literature in individuals affected with NBN-related conditions. Algorithms developed to predict the effect of missense changes on protein structure and function output the following: SIFT: "Tolerated"; PolyPhen-2: "Benign"; Align-GVGD: "Class C0". The leucine amino acid residue is found in multiple mammalian species, which suggests that this missense change does not adversely affect protein function. In summary, the available evidence is currently insufficient to determine the role of this variant in disease. Therefore, it has been classified as a Variant of Uncertain Significance.

NM_002485.5(NBN):c.1253C>T (p.Ser418Leu)

Gene: NBN (nibrin; minus strand). Cytogenetic location: 8q21.3.
Variant type: single nucleotide variant.
Coding change: c.1253C>T on transcript NM_002485.5 (MANE Select); coding-DNA position 1253, C replaced by T.
Protein change: p.Ser418Leu; replaces serine 418 with leucine.
Molecular consequence: missense variant.
Genome position (GRCh38, 1-based): chr8:89,955,427, G>A on the plus strand (C>T on the coding strand, the complement: NBN is on the minus strand). VCF-style: chr8-89955427-G-A. GRCh37 (hg19) VCF-style: chr8-90967655-G-A.
Other names: c.1007C>T, p.Ser336Leu (NM_001024688.3); short protein forms S418L, S336L.
Identifiers: ClinVar variation 530743 (VCV000530743.4), dbSNP rs1554559212, ClinGen allele CA16622017.